The following is an entry in ClinVar:

ClinVar aggregate classification (germline): Likely benign. Review status: criteria provided, multiple submitters, no conflicts (2 of 4 stars). 2 submissions from 2 submitters: Likely benign (2). Last evaluated 2025-02-01.

Conditions:
Early-infantile DEE. Also called: Early infantile epileptic encephalopathy with suppression bursts; Early infantile epileptic encephalopathy; Ohtahara syndrome. Identifiers: Orphanet 1934, MedGen C0393706, MONDO:0800491.

Allele frequency attached by ClinVar (database versions not stated): gnomAD exomes below 0.00001.
gnomAD v4.1: 1 of 1,614,180 alleles (0.000062%); highest among the groups gnomAD compares: Admixed American, 0.0017%; no homozygotes.

Submissions (2):

CeGaT Center for Human Genetics Tuebingen
Classification: Likely benign. Last evaluated: 2025-02-01. Review status: criteria provided, single submitter. Criteria: CeGaT Center For Human Genetics Tuebingen Variant Classification Criteria Version 2. Collection method: clinical testing. Allele origin: germline. Affected: yes. Observed: 1 variant allele.
Comment: SPTAN1: BP4, BP7

Labcorp Genetics (formerly Invitae), Labcorp
Classification: Likely benign for Early-infantile DEE. Last evaluated: 2020-02-11. Review status: criteria provided, single submitter. Criteria: Invitae Variant Classification Sherloc (09022015). Collection method: clinical testing. Allele origin: germline.

NM_001130438.3(SPTAN1):c.4458A>G (p.Lys1486=)

Gene: SPTAN1 (spectrin alpha, non-erythrocytic 1; plus strand). Cytogenetic location: 9q34.11.
Variant type: single nucleotide variant.
Coding change: c.4458A>G on transcript NM_001130438.3 (MANE Select); coding-DNA position 4458, A replaced by G.
Protein change: p.Lys1486=; no amino-acid change (lysine 1486 retained).
Molecular consequence: synonymous variant.
Genome position (GRCh38, 1-based): chr9:128,608,243, A>G. VCF-style: chr9-128608243-A-G. GRCh37 (hg19) VCF-style: chr9-131370522-A-G.
Other names: c.4398A>G, p.Lys1466= (NM_001195532.2, NM_001363765.2, NM_001375314.2); c.4458A>G, p.Lys1486= (NM_001363759.2, NM_001375310.1, NM_001375311.2 and 2 more transcripts); c.4494A>G, p.Lys1498= (NM_001375312.2, NM_001375318.1).
Identifiers: ClinVar variation 756953 (VCV000756953.23), dbSNP rs1411742904, ClinGen allele CA467302978.
Genomic context (GRCh38, chr9:128,608,243, plus strand): 5'-CTTCTTGAATACCGAAGACAAAGGAGACTCACTGGACAGCGTAGAGGCTCTGATCAAAAA[A>G]CATGAAGACTTTGACAAAGCGATTAACGTCCAGGTGAGGCCTCTGGACCATGGAGTTGGA-3'
Protein context (NP_001123910.1, residues 1476-1496): SLDSVEALIK[Lys1486=]HEDFDKAINV